The following is an entry in ClinVar:

ClinVar aggregate classification (germline): Conflicting classifications of pathogenicity. Review status: criteria provided, conflicting classifications (1 of 4 stars). 5 submissions from 5 submitters: Uncertain significance (2); Likely benign (3). Last evaluated 2026-01-28.

Conditions:
Hereditary breast ovarian cancer syndrome. Also called: Hereditary breast and ovarian cancer syndrome (HBOC); Hereditary breast and ovarian cancer; BRCA1- and BRCA2-Associated Hereditary Breast and Ovarian Cancer; Breast and ovarian cancer; Hereditary breast and ovarian cancer syndrome; Hereditary breast and/or ovarian cancer syndrome. Identifiers: Orphanet 145, MedGen C0677776, MeSH D061325, MONDO:0003582. Disease mechanism: loss of function.
Breast-ovarian cancer, familial, susceptibility to, 1 (BROVCA1). Also called: OVARIAN CANCER, SUSCEPTIBILITY TO; BRCA1 Hereditary Breast and Ovarian Cancer. Identifiers: Orphanet 145, MedGen C2676676, MONDO:0011450, OMIM 604370. Disease mechanism: loss of function.
Hereditary cancer-predisposing syndrome. Also called: Hereditary neoplastic syndrome; Tumor predisposition; Hereditary Cancer Syndrome; Neoplastic Syndromes, Hereditary. Identifiers: Orphanet 140162, MedGen C0027672, MeSH D009386, MONDO:0015356.

gnomAD v4.1: 8 of 1,614,114 alleles (0.0005%); highest among the groups gnomAD compares: Non-Finnish European, 0.00068%; no homozygotes.

Submissions (6):

Labcorp Genetics (formerly Invitae), Labcorp
Classification: Likely benign for Hereditary breast ovarian cancer syndrome. Last evaluated: 2026-01-28. Review status: criteria provided, single submitter. Criteria: Invitae Variant Classification Sherloc (09022015). Collection method: clinical testing. Allele origin: germline.

Color Diagnostics, LLC DBA Color Health
Classification: Uncertain significance for Hereditary cancer-predisposing syndrome. Last evaluated: 2024-04-26. Review status: criteria provided, single submitter. Criteria: ACMG Guidelines, 2015. Collection method: clinical testing. Allele origin: germline.
Comment: This missense variant replaces glycine with cysteine at codon 1803 of the BRCA1 protein. Computational prediction is inconclusive regarding the impact of this variant on protein structure and function. A functional study has reported that this variant protein does not impact BRCA1 function in a haploid cell proliferation assay (PMID: 30219179). However, a different missense variant at this codon, c.5408G>C (p.Gly1803Ala), has been reported to cause an out-of-frame splicing defect in RNA studies on carrier RNA and minigene splicing assay (PMID: 23239986, 25724305), and this variant also has been reported as (likely) disease-causing in ClinVar (variation ID: 37668). This variant c.5407G>T is predicted to have a more severe splicing defect (PMID: 35449021). Although to our knowledge, this prediction has not been tested in RNA studies. This variant has not been reported in individuals affected with hereditary cancer in the literature. This variant has not been identified in the general population by the Genome Aggregation Database (gnomAD). The available evidence is insufficient to determine the role of this variant in disease conclusively. Therefore, this variant is classified as a Variant of Uncertain Significance.

Lupski Lab, Baylor-Hopkins CMG, Baylor College of Medicine
Classification: Likely benign for Breast-ovarian cancer, familial, susceptibility to, 1. Last evaluated: 2024-04-12. Review status: criteria provided, single submitter. Criteria: Dawood et al. (medRxiv. 2024). Collection method: curation. Allele origin: germline.
Comment: Each variant was annotated with functional scores from MAVE data which was translated into functional evidence codes. All other evidence codes and combining criteria were adhered to as closely as possible based on the ClinGen VCEP (Variant Curation Expert Panel) gene-specific recommendations. See Supplemental Figure 34 of final paper (Supp Fig. 28 in preprint: doi:10.1101/2024.04.11.24305690) for a table to see which lines of evidence we did not have data for. The ClinGen VCEPs are highly regarded as the gold-standard for gene-specific variant curation and are developed after extensive evaluation of the evidence by clinical and scientific experts for the particular gene to classify genomic variants on a spectrum from pathogenic to benign using the 2015 ACMG/AMP Variant Interpretation Guidelines as a backbone (PMID: 25741868). Reclassification of these VUS variants from gnomAD or All of Us focused only on variants originally prescribed as VUS in ClinVar. To ensure reproducibility, transparency, and increased throughput, all the procedures for annotating variants and assigning evidence codes were codified using Python. All code has been made freely available and is linked in the Code Availability section and all reclassified variants with evidence codes used can be found in Tables S18-19 (preprint: doi:10.1101/2024.04.11.24305690). For the MAVE data, the clinical curation and clinical strength assignment as per the ClinGen recommendations in Brnich et al. (2020) (PMID: 31892348) for or against pathogenicity or benignity of each of these MAVE datasets utilized in this study were previously published in Fayer et al. (2021) (PMID: 34793697).In brief, for BRCA1 variants, if a variant was categorized as FUNC (functional), it was assigned BS3 evidence and no PS3 evidence, whereas if it was categorized as LOF (loss of function), the variant was assigned PS3 evidence and no BS3 evidence. Variants categorized as INT (intermediate) were left unannotated. For the BRCA1 combining criteria, greater than or equal to 1 criteria of strong benign evidence was enough to reclassify the VUS as Likely Benign. This variant GRCh38:17:43047703:C>A was assigned evidence codes ['BS3'] and an overall classification of Likely benign

Baylor Genetics
Classification: Uncertain significance for Breast-ovarian cancer, familial, susceptibility to, 1. Last evaluated: 2023-12-01. Review status: criteria provided, single submitter. Criteria: ACMG Guidelines, 2015. Collection method: clinical testing. Allele origin: unknown.

Ambry Genetics
Classification: Likely benign for Hereditary cancer-predisposing syndrome. Last evaluated: 2021-07-01. Review status: criteria provided, single submitter. Criteria: Ambry Variant Classification Scheme 2023. Collection method: clinical testing. Allele origin: germline.

Brotman Baty Institute, University of Washington
No classification provided (evidence only). Condition: Breast-ovarian cancer, familial 1. Review status: no classification provided. Collection method: in vitro. Allele origin: not applicable. Functional consequence: functionally_normal. Not counted in ClinVar's aggregate classification.
ClinVar note: "not provided" was previously submitted as the classification for the variant. However, the classification appeared to be based only on an observation of functional data so it was converted to no classification on 2025-07-30.

Literature cited by the submitters: PubMed 23239986 (cited by Color Diagnostics, LLC DBA Color Health); PubMed 25724305 (cited by Color Diagnostics, LLC DBA Color Health); PubMed 30219179 (cited by Color Diagnostics, LLC DBA Color Health); PubMed 35449021 (cited by Color Diagnostics, LLC DBA Color Health); PubMed 39142283 (cited by Lupski Lab, Baylor-Hopkins CMG, Baylor College of Medicine); PubMed 34793697 (cited by Lupski Lab, Baylor-Hopkins CMG, Baylor College of Medicine); DOI 10.1101/2024.04.11.24305690 (cited by Lupski Lab, Baylor-Hopkins CMG, Baylor College of Medicine); PubMed 29113215 (cited by Ambry Genetics); PubMed 30209399 (cited by Ambry Genetics).

NM_007294.4(BRCA1):c.5407G>T (p.Gly1803Cys)

Gene: BRCA1 (BRCA1 DNA repair associated; minus strand). Cytogenetic location: 17q21.31.
Variant type: single nucleotide variant.
Coding change: c.5407G>T on transcript NM_007294.4 (MANE Select); coding-DNA position 5407, G replaced by T.
Protein change: p.Gly1803Cys; replaces glycine 1803 with cysteine.
Molecular consequence: missense variant. On other transcripts: non-coding transcript variant (1).
Genome position (GRCh38, 1-based): chr17:43,047,703, C>A on the plus strand (G>T on the coding strand, the complement: BRCA1 is on the minus strand). VCF-style: chr17-43047703-C-A. GRCh37 (hg19) VCF-style: chr17-41199720-C-A.
Other names: c.5281G>T, p.Gly1761Cys (NM_001407680.1, NM_001407671.1, NM_001407672.1 and 8 more transcripts); c.5278G>T, p.Gly1760Cys (NM_001407681.1, NM_001407682.1, NM_001407683.1 and 6 more transcripts); c.5266G>T, p.Gly1756Cys (NM_001407725.1, NM_001407726.1, NM_001407727.1 and 12 more transcripts); c.5263G>T, p.Gly1755Cys (NM_001407732.1, NM_001407733.1, NM_001407734.1 and 18 more transcripts); c.5260G>T, p.Gly1754Cys (NM_001407838.1, NM_001407839.1, NM_001407841.1 and 12 more transcripts); c.5197G>T, p.Gly1733Cys (NM_001407886.1, NM_001407887.1, NM_001407889.1 and 5 more transcripts); c.5194G>T, p.Gly1732Cys (NM_001407894.1, NM_001407895.1, NM_001407896.1 and 12 more transcripts); c.5191G>T, p.Gly1731Cys (NM_001407917.1, NM_001407918.1, NM_001407915.1 and 1 more transcripts); and 83 more; short protein forms G1756C, G1803C, G699C, G1824C, G674V, G1675C, G1690C, G1731V.
Identifiers: ClinVar variation 651964 (VCV000651964.20), dbSNP rs876659510, ClinGen allele CA10590655.